The following is an entry in ClinVar:

ClinVar aggregate classification (germline): Uncertain significance (1 of 4 stars; one submission).

Submission:

GeneDx
Classification: Uncertain significance. Last evaluated: 2025-05-05. Review status: criteria provided, single submitter. Criteria: GeneDx Variant Classification Process June 2021. Collection method: clinical testing. Allele origin: germline. Affected: yes.
Comment: Not observed at significant frequency in large population cohorts (gnomAD); In silico analysis supports that this missense variant has a deleterious effect on protein structure/function; Has not been previously published as pathogenic or benign to our knowledge

NM_006245.4(PPP2R5D):c.1075G>A (p.Glu359Lys)

Gene: PPP2R5D (protein phosphatase 2 regulatory subunit B'delta; plus strand). Cytogenetic location: 6p21.1.
Variant type: single nucleotide variant.
Coding change: c.1075G>A on transcript NM_006245.4 (MANE Select); coding-DNA position 1075, G replaced by A.
Protein change: p.Glu359Lys; replaces glutamic acid 359 with lysine.
Molecular consequence: missense variant.
Genome position (GRCh38, 1-based): chr6:43,008,741, G>A. VCF-style: chr6-43008741-G-A. GRCh37 (hg19) VCF-style: chr6-42976479-G-A.
Other names: c.622G>A, p.Glu208Lys (NM_001270476.2); c.979G>A, p.Glu327Lys (NM_180976.3); c.757G>A, p.Glu253Lys (NM_180977.3); short protein forms E208K, E253K, E327K, E359K.
Identifiers: ClinVar variation 4528157 (VCV004528157.1).